The following is an entry in ClinVar:

NM_006361.6(HOXB13):c.352G>A (p.Glu118Lys)

Gene: HOXB13 (homeobox B13; minus strand). Cytogenetic location: 17q21.32.
Variant type: single nucleotide variant.
Coding change: c.352G>A on transcript NM_006361.6 (MANE Select); coding-DNA position 352, G replaced by A.
Protein change: p.Glu118Lys; replaces glutamic acid 118 with lysine.
Molecular consequence: missense variant.
Genome position (GRCh38, 1-based): chr17:48,728,242, C>T on the plus strand (G>A on the coding strand, the complement: HOXB13 is on the minus strand). VCF-style: chr17-48728242-C-T. GRCh37 (hg19) VCF-style: chr17-46805604-C-T.
Other names: short protein forms E118K.
Identifiers: ClinVar variation 823891 (VCV000823891.11), dbSNP rs1369403058, ClinGen allele CA400107642.

ClinVar aggregate classification (germline): Uncertain significance. Review status: criteria provided, multiple submitters, no conflicts (2 of 4 stars). 2 submissions from 2 submitters: Uncertain significance (2). Last evaluated 2025-07-14.

Conditions:
Hereditary cancer-predisposing syndrome. Also called: Neoplastic Syndromes, Hereditary; Tumor predisposition; Hereditary neoplastic syndrome; Hereditary Cancer Syndrome. Identifiers: Orphanet 140162, MedGen C0027672, MeSH D009386, MONDO:0015356.

Allele frequency attached by ClinVar (database versions not stated): gnomAD exomes below 0.00001; gnomAD 0.00001; TOPMed 0.00001.

Submissions (2):

Labcorp Genetics (formerly Invitae), Labcorp
Classification: Uncertain significance. Last evaluated: 2025-07-14. Review status: criteria provided, single submitter. Criteria: Invitae Variant Classification Sherloc (09022015). Collection method: clinical testing. Allele origin: germline.
Comment: This sequence change replaces glutamic acid, which is acidic and polar, with lysine, which is basic and polar, at codon 118 of the HOXB13 protein (p.Glu118Lys). This variant is present in population databases (no rsID available, gnomAD 0.007%). This variant has not been reported in the literature in individuals affected with HOXB13-related conditions. ClinVar contains an entry for this variant (Variation ID: 823891). Invitae Evidence Modeling of protein sequence and biophysical properties (such as structural, functional, and spatial information, amino acid conservation, physicochemical variation, residue mobility, and thermodynamic stability) indicates that this missense variant is not expected to disrupt HOXB13 protein function with a negative predictive value of 80%. In summary, the available evidence is currently insufficient to determine the role of this variant in disease. Therefore, it has been classified as a Variant of Uncertain Significance.

Ambry Genetics
Classification: Uncertain significance for Hereditary cancer-predisposing syndrome. Last evaluated: 2024-05-11. Review status: criteria provided, single submitter. Criteria: Ambry Variant Classification Scheme 2023. Collection method: clinical testing. Allele origin: germline.
Comment: The p.E118K variant (also known as c.352G>A), located in coding exon 1 of the HOXB13 gene, results from a G to A substitution at nucleotide position 352. The glutamic acid at codon 118 is replaced by lysine, an amino acid with similar properties. This amino acid position is highly conserved through reptiles but not in all available vertebrate species. In addition, this alteration is predicted to be tolerated by in silico analysis. Since supporting evidence is limited at this time, the clinical significance of this alteration remains unclear.